The following is an entry in ClinVar:

NM_003839.4(TNFRSF11A):c.427+3A>G

Gene: TNFRSF11A (TNF receptor superfamily member 11a; plus strand). Cytogenetic location: 18q21.33.
Variant type: single nucleotide variant.
Coding change: c.427+3A>G on transcript NM_003839.4 (MANE Select); 3 bases into the intron after coding-DNA position 427, A replaced by G.
Molecular consequence: intron variant.
Genome position (GRCh38, 1-based): chr18:62,354,537, A>G. VCF-style: chr18-62354537-A-G. GRCh37 (hg19) VCF-style: chr18-60021770-A-G.
Other names: c.427+3A>G (NM_001270949.2, NM_001270950.2, NM_001270951.2 and 1 more transcripts).
Identifiers: ClinVar variation 2080226 (VCV002080226.4), dbSNP rs1472285071, ClinGen allele CA630113463.

ClinVar aggregate classification (germline): Uncertain significance (1 of 4 stars; one submission).

Allele frequency attached by ClinVar (database versions not stated): gnomAD exomes below 0.00001; TOPMed below 0.00001; gnomAD 0.00001.
gnomAD v4.1: 7 of 1,602,520 alleles (0.00044%); highest among the groups gnomAD compares: African/African-American, 0.0013%; no homozygotes.

Submission:

Labcorp Genetics (formerly Invitae), Labcorp
Classification: Uncertain significance. Last evaluated: 2022-11-01. Review status: criteria provided, single submitter. Criteria: Invitae Variant Classification Sherloc (09022015). Collection method: clinical testing. Allele origin: germline.
Comment: This sequence change falls in intron 4 of the TNFRSF11A gene. It does not directly change the encoded amino acid sequence of the TNFRSF11A protein. It affects a nucleotide within the consensus splice site. This variant is not present in population databases (gnomAD no frequency). This variant has not been reported in the literature in individuals affected with TNFRSF11A-related conditions. Variants that disrupt the consensus splice site are a relatively common cause of aberrant splicing (PMID: 17576681, 9536098). Algorithms developed to predict the effect of sequence changes on RNA splicing suggest that this variant may disrupt the consensus splice site. In summary, the available evidence is currently insufficient to determine the role of this variant in disease. Therefore, it has been classified as a Variant of Uncertain Significance.

Literature cited by the submitters: PubMed 17576681; PubMed 9536098.